The following is an entry in ClinVar:

ClinVar aggregate classification (germline): Likely benign (1 of 4 stars; one submission).

Allele frequency attached by ClinVar (database versions not stated): gnomAD exomes below 0.00001.
gnomAD v4.1: 1 of 1,613,774 alleles (0.000062%); no homozygotes.

Submission:

GeneDx
Classification: Likely benign. Last evaluated: 2018-05-08. Review status: criteria provided, single submitter. Criteria: GeneDx Variant Classification (06012015). Collection method: clinical testing. Allele origin: germline. Affected: yes.
Comment: This variant is considered likely benign or benign based on one or more of the following criteria: it is a conservative change, it occurs at a poorly conserved position in the protein, it is predicted to be benign by multiple in silico algorithms, and/or has population frequency not consistent with disease.

NM_006516.4(SLC2A1):c.84C>T (p.Tyr28=)

Gene: SLC2A1 (solute carrier family 2 member 1; minus strand). Cytogenetic location: 1p34.2.
Variant type: single nucleotide variant.
Coding change: c.84C>T on transcript NM_006516.4 (MANE Select); coding-DNA position 84, C replaced by T.
Protein change: p.Tyr28=; no amino-acid change (tyrosine 28 retained).
Molecular consequence: synonymous variant.
Genome position (GRCh38, 1-based): chr1:42,943,256, G>A on the plus strand (C>T on the coding strand, the complement: SLC2A1 is on the minus strand). VCF-style: chr1-42943256-G-A. GRCh37 (hg19) VCF-style: chr1-43408927-G-A.
Identifiers: ClinVar variation 668278 (VCV000668278.1), dbSNP rs1418027264, ClinGen allele CA417411901.
Genomic context (GRCh38, chr1:42,943,256, plus strand): 5'-TCCATAAGCCAACGATGGCACAGTACTCACCTTCTGGGGGGCATTGATGACTCCAGTGTT[G>A]TAGCCAAACTGCAGGGAGCCAAGCACTGCTCCTCCCACGGCCAGCATGAGGCGACCCGTC-3'
Protein context (NP_006507.2, residues 18-38): GAVLGSLQFG[Tyr28=]NTGVINAPQK